The following is an entry in ClinVar:

NM_018341.3(ERMARD):c.384A>G (p.Lys128=)

Gene: ERMARD (ER membrane associated RNA degradation; plus strand). Cytogenetic location: 6q27.
Variant type: single nucleotide variant.
Coding change: c.384A>G on transcript NM_018341.3 (MANE Select); coding-DNA position 384, A replaced by G.
Protein change: p.Lys128=; no amino-acid change (lysine 128 retained).
Molecular consequence: synonymous variant.
Genome position (GRCh38, 1-based): chr6:169,756,406, A>G. VCF-style: chr6-169756406-A-G. GRCh37 (hg19) VCF-style: chr6-170156502-A-G.
Other names: c.384A>G, p.Lys128= (NM_001278531.2, NM_001278533.2); c.6A>G, p.Lys2= (NM_001278532.2, NM_001410957.1).
Identifiers: ClinVar variation 2026216 (VCV002026216.4), dbSNP rs2537414245, ClinGen allele CA453165556.
Genomic context (GRCh38, chr6:169,756,406, plus strand): 5'-TGAAATATTTGATGCCTTGGAAAGTCTACAATCTCCTGCTATTTCTCTTAGCTTAATGAA[A>G]CTGACATCGTGTCTAGAACGAGCCTTGGGTGATGTAAGTGTGAGAACTCTTTCATTATTG-3'
Protein context (NP_060811.1, residues 118-138): QSPAISLSLM[Lys128=]LTSCLERALG

ClinVar aggregate classification (germline): Uncertain significance (1 of 4 stars; one submission).

Submission:

Labcorp Genetics (formerly Invitae), Labcorp
Classification: Uncertain significance. Last evaluated: 2022-08-22. Review status: criteria provided, single submitter. Criteria: Invitae Variant Classification Sherloc (09022015). Collection method: clinical testing. Allele origin: germline.
Comment: This sequence change affects codon 128 of the ERMARD mRNA. It is a 'silent' change, meaning that it does not change the encoded amino acid sequence of the ERMARD protein. This variant has not been reported in the literature in individuals affected with ERMARD-related conditions. Algorithms developed to predict the effect of sequence changes on RNA splicing suggest that this variant may create or strengthen a splice site. In summary, the available evidence is currently insufficient to determine the role of this variant in disease. Therefore, it has been classified as a Variant of Uncertain Significance. This variant is not present in population databases (gnomAD no frequency).